The following is an entry in ClinVar:

NM_000062.3(SERPING1):c.1042C>T (p.Gln348Ter)

Gene: SERPING1 (serpin family G member 1; plus strand). Cytogenetic location: 11q12.1.
Variant type: single nucleotide variant.
Coding change: c.1042C>T on transcript NM_000062.3 (MANE Select); coding-DNA position 1042, C replaced by T.
Protein change: p.Gln348Ter; replaces glutamine 348 with a stop codon.
Molecular consequence: nonsense.
Genome position (GRCh38, 1-based): chr11:57,611,729, C>T. VCF-style: chr11-57611729-C-T. GRCh37 (hg19) VCF-style: chr11-57379202-C-T.
Other names: c.1042C>T, p.Gln348Ter (NM_001032295.2); short protein forms Q348*.
Identifiers: ClinVar variation 3721035 (VCV003721035.2).

ClinVar aggregate classification (germline): Pathogenic (1 of 4 stars; one submission).

Submission:

Labcorp Genetics (formerly Invitae), Labcorp
Classification: Pathogenic. Last evaluated: 2024-09-09. Review status: criteria provided, single submitter. Criteria: Invitae Variant Classification Sherloc (09022015). Collection method: clinical testing. Allele origin: germline.
Comment: This sequence change creates a premature translational stop signal (p.Gln348*) in the SERPING1 gene. It is expected to result in an absent or disrupted protein product. Loss-of-function variants in SERPING1 are known to be pathogenic (PMID: 11112899, 24456027). This variant is not present in population databases (gnomAD no frequency). This premature translational stop signal has been observed in individual(s) with hereditary angioedema (PMID: 18586324). For these reasons, this variant has been classified as Pathogenic.

Literature cited by the submitters: PubMed 11112899; PubMed 24456027; PubMed 18586324.